The following is an entry in ClinVar:

ClinVar aggregate classification (germline): Benign. Review status: criteria provided, multiple submitters, no conflicts (2 of 4 stars). 2 submissions from 2 submitters: Benign (2). Last evaluated 2018-01-13.

Conditions:
Vitamin K-dependent clotting factors, combined deficiency of, type 1. Also called: FACTORS II, VII, IX, AND X, COMBINED DEFICIENCY OF; FAMILIAL MULTIPLE COAGULATION FACTOR DEFICIENCY III; FMFD III; GLUTAMIC ACID, DEFICIENT GAMMA-CARBOXYLATION OF; MULTIPLE COAGULATION FACTOR DEFICIENCY III; VITAMIN K-DEPENDENT COAGULATION DEFECT. Identifiers: Orphanet 98434, MedGen C1848534, MONDO:0010187, OMIM 277450.

Allele frequency attached by ClinVar (database versions not stated): 1000 Genomes Project 0.06769; 1000 Genomes Project 30x 0.06839; gnomAD 0.07407 and 0.07770; TOPMed 0.07886; gnomAD exomes 0.08333.
gnomAD v4.1: 11,205 of 152,204 alleles (7.4%); highest among the groups gnomAD compares: African/African-American, 17%; 650 homozygotes.

Submissions (2):

Illumina Laboratory Services, Illumina
Classification: Benign for Vitamin K-dependent clotting factors, combined deficiency of, type 1. Last evaluated: 2018-01-13. Review status: criteria provided, single submitter. Criteria: ICSL Variant Classification Criteria 13 December 2019. Collection method: clinical testing. Allele origin: germline.
Comment: This variant was observed in the ICSL laboratory as part of a predisposition screen in an ostensibly healthy population. It had not been previously curated by ICSL or reported in the Human Gene Mutation Database (HGMD: prior to June 1st, 2018), and was therefore a candidate for classification through an automated scoring system. Utilizing variant allele frequency, disease prevalence and penetrance estimates, and inheritance mode, an automated score was calculated to assess if this variant is too frequent to cause the disease. Based on the score and internal cut-off values, a variant classified as benign is not then subjected to further curation. The score for this variant resulted in a classification of benign for this disease.

Breakthrough Genomics
Classification: Benign. Review status: criteria provided, single submitter. Criteria: ACMG Guidelines, 2015. Collection method: not provided. Allele origin: germline. Inheritance: Autosomal recessive inheritance. Affected: yes.

NM_000821.7(GGCX):c.*2974G>A

Gene: GGCX (gamma-glutamyl carboxylase; minus strand). Cytogenetic location: 2p11.2.
Variant type: single nucleotide variant.
Coding change: c.*2974G>A on transcript NM_000821.7 (MANE Select); 2974 bases downstream of the stop codon, G replaced by A.
Molecular consequence: 3 prime UTR variant.
Genome position (GRCh38, 1-based): chr2:85,546,960, C>T on the plus strand (G>A on the coding strand, the complement: GGCX is on the minus strand). VCF-style: chr2-85546960-C-T. GRCh37 (hg19) VCF-style: chr2-85774083-C-T.
Other names: c.*2974G>A (NM_001142269.4).
Identifiers: ClinVar variation 337209 (VCV000337209.6), dbSNP rs72843836, ClinGen allele CA10614031.